The following is an entry in ClinVar:

NM_018426.3(TMEM63B):c.2317G>A (p.Ala773Thr)

Gene: TMEM63B (transmembrane protein 63B; plus strand). Cytogenetic location: 6p21.1.
Variant type: single nucleotide variant.
Coding change: c.2317G>A on transcript NM_018426.3 (MANE Select); coding-DNA position 2317, G replaced by A.
Protein change: p.Ala773Thr; replaces alanine 773 with threonine.
Molecular consequence: missense variant.
Genome position (GRCh38, 1-based): chr6:44,154,701, G>A. VCF-style: chr6-44154701-G-A. GRCh37 (hg19) VCF-style: chr6-44122438-G-A.
Other names: c.2317G>A, p.Ala773Thr (NM_001318792.1); short protein forms A773T.
Identifiers: ClinVar variation 5016806 (VCV005016806.1).
Genomic context (GRCh38, chr6:44,154,701, plus strand): 5'-ATCCATGAGGGGCAGCTGTTCACCTTGCCCCCATTTCCTCTCCTCCTTCAGAAATACATC[G>A]CTCAGGTGCTGCAGGACTCAGAGGTGGACGGGGATGGGGATGGGGCTCCTGGGAGCTCAG-3'
Protein context (NP_060896.1, residues 763-783): AAVPKSAKYI[Ala773Thr]QVLQDSEVDG

ClinVar aggregate classification (germline): Uncertain significance (1 of 4 stars; one submission).

gnomAD v4.1: 2 of 1,551,160 alleles (0.00013%); highest among the groups gnomAD compares: Non-Finnish European, 0.00017%; no homozygotes.

Submission:

GeneDx
Classification: Uncertain significance. Last evaluated: 2026-03-26. Review status: criteria provided, single submitter. Criteria: GeneDx Variant Classification Process June 2021. Collection method: clinical testing. Allele origin: germline.
Comment: Not observed at significant frequency in large population cohorts (gnomAD); In silico analysis suggests that this missense variant does not alter protein structure/function; Has not been previously published as pathogenic or benign to our knowledge